The following is an entry in ClinVar:

NM_018975.4(TERF2IP):c.280C>G (p.Leu94Val)

Gene: TERF2IP (TERF2 interacting protein; plus strand). Cytogenetic location: 16q23.1.
Variant type: single nucleotide variant.
Coding change: c.280C>G on transcript NM_018975.4 (MANE Select); coding-DNA position 280, C replaced by G.
Protein change: p.Leu94Val; replaces leucine 94 with valine.
Molecular consequence: missense variant. On other transcripts: non-coding transcript variant (1).
Genome position (GRCh38, 1-based): chr16:75,648,162, C>G. VCF-style: chr16-75648162-C-G. GRCh37 (hg19) VCF-style: chr16-75682060-C-G.
Other names: short protein forms L94V.
Identifiers: ClinVar variation 3227162 (VCV003227162.1), dbSNP rs2507073353, ClinGen allele CA396817589.

ClinVar aggregate classification (germline): Uncertain significance (1 of 4 stars; one submission).

Submission:

Ambry Genetics
Classification: Uncertain significance. Last evaluated: 2024-03-11. Review status: criteria provided, single submitter. Criteria: Ambry Variant Classification Scheme 2023. Collection method: clinical testing. Allele origin: germline.
Comment: The p.L94V variant (also known as c.280C>G), located in coding exon 1 of the TERF2IP gene, results from a C to G substitution at nucleotide position 280. The leucine at codon 94 is replaced by valine, an amino acid with highly similar properties. This amino acid position is conserved. In addition, this alteration is predicted to be tolerated by in silico analysis. Based on the available evidence, the clinical significance of this alteration remains unclear.